The following is an entry in ClinVar:

ClinVar aggregate classification (germline): Uncertain significance (1 of 4 stars; one submission).

Submission:

Labcorp Genetics (formerly Invitae), Labcorp
Classification: Uncertain significance. Last evaluated: 2021-11-14. Review status: criteria provided, single submitter. Criteria: Invitae Variant Classification Sherloc (09022015). Collection method: clinical testing. Allele origin: germline.
Comment: In summary, the available evidence is currently insufficient to determine the role of this variant in disease. Therefore, it has been classified as a Variant of Uncertain Significance. Algorithms developed to predict the effect of missense changes on protein structure and function are either unavailable or do not agree on the potential impact of this missense change (SIFT: "Deleterious"; PolyPhen-2: "Possibly Damaging"; Align-GVGD: "Class C0"). This variant has not been reported in the literature in individuals affected with USH2A-related conditions. This variant is not present in population databases (gnomAD no frequency). This sequence change replaces glutamine, which is neutral and polar, with proline, which is neutral and non-polar, at codon 255 of the USH2A protein (p.Gln255Pro).

NM_206933.4(USH2A):c.764A>C (p.Gln255Pro)

Gene: USH2A (usherin; minus strand). Cytogenetic location: 1q41.
Variant type: single nucleotide variant.
Coding change: c.764A>C on transcript NM_206933.4 (MANE Select); coding-DNA position 764, A replaced by C.
Protein change: p.Gln255Pro; replaces glutamine 255 with proline.
Molecular consequence: missense variant.
Genome position (GRCh38, 1-based): chr1:216,364,973, T>G on the plus strand (A>C on the coding strand, the complement: USH2A is on the minus strand). VCF-style: chr1-216364973-T-G. GRCh37 (hg19) VCF-style: chr1-216538315-T-G.
Other names: c.764A>C, p.Gln255Pro (NM_007123.6); short protein forms Q255P.
Identifiers: ClinVar variation 1488845 (VCV001488845.6), dbSNP rs2038566369, ClinGen allele CA344907628.